The following is an entry in ClinVar:

NM_000138.5(FBN1):c.6496G>C (p.Asp2166His)

Gene: FBN1 (fibrillin 1; minus strand). Cytogenetic location: 15q21.1.
Variant type: single nucleotide variant.
Coding change: c.6496G>C on transcript NM_000138.5 (MANE Select); coding-DNA position 6496, G replaced by C.
Protein change: p.Asp2166His; replaces aspartic acid 2166 with histidine.
Molecular consequence: missense variant.
Genome position (GRCh38, 1-based): chr15:48,436,961, C>G on the plus strand (G>C on the coding strand, the complement: FBN1 is on the minus strand). VCF-style: chr15-48436961-C-G. GRCh37 (hg19) VCF-style: chr15-48729158-C-G.
Other names: p.D2166H:GAT>CAT; short protein forms D2166H.
Identifiers: ClinVar variation 200088 (VCV000200088.3), dbSNP rs794728252, ClinGen allele CA016512.

ClinVar aggregate classification (germline): Uncertain significance. Review status: criteria provided, multiple submitters, no conflicts (2 of 4 stars). 2 submissions from 2 submitters: Uncertain significance (2). Last evaluated 2025-10-19.

Conditions:
Marfan syndrome (MFS). Also called: Marfan syndrome, classic; FBN1-Related Marfan Syndrome; Marfan syndrome type 1; Marfan's syndrome; MARFAN SYNDROME, TYPE I. Identifiers: Orphanet 284963, Orphanet 558, MedGen C0024796, MONDO:0007947, OMIM 154700.
Familial thoracic aortic aneurysm and aortic dissection (TAAD). Also called: Thoracic aortic aneurysms and dissections. Identifiers: Orphanet 91387, MedGen C4707243, MONDO:0019625.

Submissions (2):

Labcorp Genetics (formerly Invitae), Labcorp
Classification: Uncertain significance for Marfan syndrome; Familial thoracic aortic aneurysm and aortic dissection. Last evaluated: 2025-10-19. Review status: criteria provided, single submitter. Criteria: Invitae Variant Classification Sherloc (09022015). Collection method: clinical testing. Allele origin: germline.
Comment: This sequence change replaces aspartic acid, which is acidic and polar, with histidine, which is basic and polar, at codon 2166 of the FBN1 protein (p.Asp2166His). This variant also falls at the last nucleotide of exon 53, which is part of the consensus splice site for this exon. This variant is not present in population databases (gnomAD no frequency). This variant has not been reported in the literature in individuals affected with FBN1-related conditions. ClinVar contains an entry for this variant (Variation ID: 200088). An algorithm developed to predict the effect of missense changes on protein structure and function (PolyPhen-2) suggests that this variant is likely to be disruptive. Variants that disrupt the consensus splice site are a relatively common cause of aberrant splicing (PMID: 17576681, 9536098). Algorithms developed to predict the effect of sequence changes on RNA splicing suggest that this variant may disrupt the consensus splice site. In summary, the available evidence is currently insufficient to determine the role of this variant in disease. Therefore, it has been classified as a Variant of Uncertain Significance.

GeneDx
Classification: Uncertain significance. Last evaluated: 2015-12-30. Review status: criteria provided, single submitter. Criteria: GeneDx Variant Classification (06012015). Collection method: clinical testing. Allele origin: germline. Affected: yes.
Comment: The D2166H variant of uncertain significance in the FBN1 gene has not been published as a pathogenic variant or been reported as a benign variant to our knowledge. The D2166H variant was not observed in approximately 6,500 individuals of European and African American ancestry in the NHLBI Exome Sequencing Project, indicating it is not a common benign variant in these populations. The D2166H variant is a non-conservative amino acid substitution, which is likely to impact secondary protein structure as these residues differ in polarity, charge, size and/or other properties. Additionally, this substitution occurs at a position that is conserved across species. Consequently, in silico analysis predicts this variant is probably damaging to the protein structure/function. Furthermore, a missense variant in the same residue (D2166N) and missense variants in nearby residues (A2160P, D2168G, E2169G) have been reported in the Human Gene Mutation Database in association with an FBN1-related disorder (Stenson et al., 2014), further supporting the functional importance of this residue and this region of the protein. Nevertheless, although the D2166H variant is located within a calcium-binding EGF-like domain of the FBN1 gene, it does not affect a Cysteine residue. Cysteine substitutions in the calcium-binding EGF-like domains represent the majority of pathogenic missense changes associated with FBN1-related disorders (Collod-Beroud et al., 2003).Therefore, based on the currently available information, it is unclear whether this variant is a pathogenic variant or a benign variant

Literature cited by the submitters: PubMed 17576681 (cited by Labcorp Genetics (formerly Invitae), Labcorp); PubMed 9536098 (cited by Labcorp Genetics (formerly Invitae), Labcorp).